The following is an entry in ClinVar:

ClinVar aggregate classification (germline): Uncertain significance. Review status: criteria provided, multiple submitters, no conflicts (2 of 4 stars). 3 submissions from 3 submitters: Uncertain significance (3). Last evaluated 2023-11-27.

Conditions:
Pierson syndrome. Also called: MICROCORIA-CONGENITAL NEPHROTIC SYNDROME. Identifiers: Orphanet 2670, MedGen C1836876, MONDO:0012184, OMIM 609049.
LAMB2-related infantile-onset nephrotic syndrome. Also called: Nephrotic Syndrome, type 5; NEPHROTIC SYNDROME, TYPE 5, WITHOUT OCULAR ABNORMALITIES; NEPHROTIC SYNDROME, TYPE 5, WITH OCULAR ABNORMALITIES. Identifiers: Orphanet 306507, MedGen C3280113, MONDO:0013621, OMIM 614199.
Inborn genetic diseases. Identifiers: MedGen C0950123, MeSH D030342.

Allele frequency attached by ClinVar (database versions not stated): gnomAD exomes 0.00001 and 0.00005; TOPMed 0.00002; ExAC 0.00003.

Submissions (3):

Ambry Genetics
Classification: Uncertain significance for Inborn genetic diseases. Last evaluated: 2023-11-27. Review status: criteria provided, single submitter. Criteria: Ambry Variant Classification Scheme 2023. Collection method: clinical testing. Allele origin: germline.

Labcorp Genetics (formerly Invitae), Labcorp
Classification: Uncertain significance for LAMB2-related infantile-onset nephrotic syndrome; Pierson syndrome. Last evaluated: 2022-07-19. Review status: criteria provided, single submitter. Criteria: Invitae Variant Classification Sherloc (09022015). Collection method: clinical testing. Allele origin: germline.
Comment: Algorithms developed to predict the effect of missense changes on protein structure and function are either unavailable or do not agree on the potential impact of this missense change (SIFT: "Deleterious"; PolyPhen-2: "Possibly Damaging"; Align-GVGD: "Class C0"). In summary, the available evidence is currently insufficient to determine the role of this variant in disease. Therefore, it has been classified as a Variant of Uncertain Significance. ClinVar contains an entry for this variant (Variation ID: 957705). This variant has not been reported in the literature in individuals affected with LAMB2-related conditions. This variant is present in population databases (rs770637532, gnomAD 0.06%). This sequence change replaces aspartic acid, which is acidic and polar, with glutamic acid, which is acidic and polar, at codon 428 of the LAMB2 protein (p.Asp428Glu).

Fulgent Genetics
Classification: Uncertain significance for Pierson syndrome; LAMB2-related infantile-onset nephrotic syndrome. Last evaluated: 2021-08-11. Review status: criteria provided, single submitter. Criteria: ACMG Guidelines, 2015. Collection method: clinical testing. Allele origin: unknown.

NM_002292.4(LAMB2):c.1284C>A (p.Asp428Glu)

Gene: LAMB2 (laminin subunit beta 2; minus strand). Cytogenetic location: 3p21.31.
Variant type: single nucleotide variant.
Coding change: c.1284C>A on transcript NM_002292.4 (MANE Select); coding-DNA position 1284, C replaced by A.
Protein change: p.Asp428Glu; replaces aspartic acid 428 with glutamic acid.
Molecular consequence: missense variant.
Genome position (GRCh38, 1-based): chr3:49,129,960, G>T on the plus strand (C>A on the coding strand, the complement: LAMB2 is on the minus strand). VCF-style: chr3-49129960-G-T. GRCh37 (hg19) VCF-style: chr3-49167393-G-T.
Other names: short protein forms D428E.
Identifiers: ClinVar variation 957705 (VCV000957705.7), dbSNP rs770637532, ClinGen allele CA2394636.